The following is an entry in ClinVar:

ClinVar aggregate classification (germline): Conflicting classifications of pathogenicity. Review status: criteria provided, conflicting classifications (1 of 4 stars). 2 submissions from 2 submitters: Likely pathogenic (1); Uncertain significance (1). Last evaluated 2025-12-09.

Conditions:
Hereditary cancer-predisposing syndrome. Also called: Hereditary neoplastic syndrome; Hereditary Cancer Syndrome; Neoplastic Syndromes, Hereditary; Tumor predisposition. Identifiers: Orphanet 140162, MedGen C0027672, MeSH D009386, MONDO:0015356.

Submissions (2):

Labcorp Genetics (formerly Invitae), Labcorp
Classification: Uncertain significance. Last evaluated: 2025-12-09. Review status: criteria provided, single submitter. Criteria: Invitae Variant Classification Sherloc (09022015). Collection method: clinical testing. Allele origin: germline.
Comment: This sequence change replaces threonine, which is neutral and polar, with isoleucine, which is neutral and non-polar, at codon 190 of the FH protein (p.Thr190Ile). This variant is not present in population databases (gnomAD no frequency). This variant has not been reported in the literature in individuals affected with FH-related conditions. ClinVar contains an entry for this variant (Variation ID: 1405050). Invitae Evidence Modeling of protein sequence and biophysical properties (such as structural, functional, and spatial information, amino acid conservation, physicochemical variation, residue mobility, and thermodynamic stability) indicates that this missense variant is expected to disrupt FH protein function with a positive predictive value of 95%. Algorithms developed to predict the effect of sequence changes on RNA splicing suggest that this variant may disrupt the consensus splice site. In summary, the available evidence is currently insufficient to determine the role of this variant in disease. Therefore, it has been classified as a Variant of Uncertain Significance.

Ambry Genetics
Classification: Likely pathogenic for Hereditary cancer-predisposing syndrome. Last evaluated: 2025-03-24. Review status: criteria provided, single submitter. Criteria: Ambry Variant Classification Scheme 2023. Collection method: clinical testing. Allele origin: germline.
Comment: The p.T190I variant (also known as c.569C>T), located in coding exon 5 of the FH gene, results from a C to T substitution at nucleotide position 569. The threonine at codon 190 is replaced by isoleucine, an amino acid with similar properties. This variant, denoted as p.Thr147Ile (c.440C>T), was reported in individual(s) with features consistent with hereditary leiomyomatosis and renal cell cancer (Muller M et al. Clin Genet. 2017 Dec;92:606-615; Ambry internal data). This amino acid position is highly conserved in available vertebrate species. In addition, this alteration is predicted to be deleterious by in silico analysis. This variant is considered to be rare based on population cohorts in the Genome Aggregation Database (gnomAD). Based on the majority of available evidence to date, this variant is likely to be pathogenic.

Literature cited by the submitters: PubMed 28300276 (cited by Ambry Genetics).

NM_000143.4(FH):c.569C>T (p.Thr190Ile)

Gene: FH (fumarate hydratase; minus strand). Cytogenetic location: 1q43.
Variant type: single nucleotide variant.
Coding change: c.569C>T on transcript NM_000143.4 (MANE Select); coding-DNA position 569, C replaced by T.
Protein change: p.Thr190Ile; replaces threonine 190 with isoleucine.
Molecular consequence: missense variant.
Genome position (GRCh38, 1-based): chr1:241,508,772, G>A on the plus strand (C>T on the coding strand, the complement: FH is on the minus strand). VCF-style: chr1-241508772-G-A. GRCh37 (hg19) VCF-style: chr1-241672072-G-A.
Other names: c.569C>T (NM_000143.3); short protein forms T190I.
Identifiers: ClinVar variation 1405050 (VCV001405050.9), dbSNP rs2147919703, ClinGen allele CA345439481.